The following is an entry in ClinVar:

ClinVar aggregate classification (germline): Uncertain significance. Review status: criteria provided, multiple submitters, no conflicts (2 of 4 stars). 2 submissions from 2 submitters: Uncertain significance (2). Last evaluated 2023-02-16.

Conditions:
Inborn genetic diseases. Identifiers: MedGen C0950123, MeSH D030342.

Allele frequency attached by ClinVar (database versions not stated): gnomAD 0.00001; ExAC 0.00002; gnomAD exomes 0.00003; TOPMed 0.00003.
gnomAD v4.1: 32 of 1,607,068 alleles (0.002%); highest among the groups gnomAD compares: East Asian, 0.013%; no homozygotes.

Submissions (2):

Ambry Genetics
Classification: Uncertain significance for Inborn genetic diseases. Last evaluated: 2023-02-16. Review status: criteria provided, single submitter. Criteria: Ambry Variant Classification Scheme 2023. Collection method: clinical testing. Allele origin: germline.

Labcorp Genetics (formerly Invitae), Labcorp
Classification: Uncertain significance. Last evaluated: 2022-03-19. Review status: criteria provided, single submitter. Criteria: Invitae Variant Classification Sherloc (09022015). Collection method: clinical testing. Allele origin: germline.
Comment: In summary, the available evidence is currently insufficient to determine the role of this variant in disease. Therefore, it has been classified as a Variant of Uncertain Significance. Algorithms developed to predict the effect of missense changes on protein structure and function (SIFT, PolyPhen-2, Align-GVGD) all suggest that this variant is likely to be tolerated. This variant has not been reported in the literature in individuals affected with PLAA-related conditions. This variant is present in population databases (rs748617566, gnomAD 0.04%). This sequence change replaces isoleucine, which is neutral and non-polar, with valine, which is neutral and non-polar, at codon 237 of the PLAA protein (p.Ile237Val).

NM_001031689.3(PLAA):c.709A>G (p.Ile237Val)

Gene: PLAA (phospholipase A2 activating protein; minus strand). Cytogenetic location: 9p21.2.
Variant type: single nucleotide variant.
Coding change: c.709A>G on transcript NM_001031689.3 (MANE Select); coding-DNA position 709, A replaced by G.
Protein change: p.Ile237Val; replaces isoleucine 237 with valine.
Molecular consequence: missense variant.
Genome position (GRCh38, 1-based): chr9:26,926,417, T>C on the plus strand (A>G on the coding strand, the complement: PLAA is on the minus strand). VCF-style: chr9-26926417-T-C. GRCh37 (hg19) VCF-style: chr9-26926415-T-C.
Other names: c.709A>G, p.Ile237Val (NM_001321546.2); c.709A>G (NM_001031689.2); short protein forms I237V.
Identifiers: ClinVar variation 1360341 (VCV001360341.7), dbSNP rs748617566, ClinGen allele CA5014577.